The following is an entry in ClinVar:

ClinVar aggregate classification (germline): Uncertain significance (1 of 4 stars; one submission).

Conditions:
Epileptic encephalopathy. Identifiers: MedGen C0543888, HP:0200134.

Allele frequency attached by ClinVar (database versions not stated): gnomAD exomes below 0.00001.
gnomAD v4.1: 1 of 1,612,660 alleles (0.000062%); highest among the groups gnomAD compares: African/African-American, 0.0013%; no homozygotes.

Submission:

Labcorp Genetics (formerly Invitae), Labcorp
Classification: Uncertain significance for Epileptic encephalopathy. Last evaluated: 2023-09-15. Review status: criteria provided, single submitter. Criteria: Invitae Variant Classification Sherloc (09022015). Collection method: clinical testing. Allele origin: germline.
Comment: In summary, the available evidence is currently insufficient to determine the role of this variant in disease. Therefore, it has been classified as a Variant of Uncertain Significance. This sequence change replaces histidine, which is basic and polar, with glutamine, which is neutral and polar, at codon 971 of the FASN protein (p.His971Gln). This variant is not present in population databases (gnomAD no frequency). This variant has not been reported in the literature in individuals affected with FASN-related conditions. An algorithm developed to predict the effect of missense changes on protein structure and function (PolyPhen-2) suggests that this variant is likely to be tolerated.

NM_004104.5(FASN):c.2913C>G (p.His971Gln)

Gene: FASN (fatty acid synthase; minus strand). Cytogenetic location: 17q25.3.
Variant type: single nucleotide variant.
Coding change: c.2913C>G on transcript NM_004104.5 (MANE Select); coding-DNA position 2913, C replaced by G.
Protein change: p.His971Gln; replaces histidine 971 with glutamine.
Molecular consequence: missense variant.
Genome position (GRCh38, 1-based): chr17:82,087,815, G>C on the plus strand (C>G on the coding strand, the complement: FASN is on the minus strand). VCF-style: chr17-82087815-G-C. GRCh37 (hg19) VCF-style: chr17-80045691-G-C.
Other names: short protein forms H971Q.
Identifiers: ClinVar variation 3023896 (VCV003023896.3), dbSNP rs2144795385, ClinGen allele CA401555482.